The following is an entry in ClinVar:

NM_005751.5(AKAP9):c.116dup (p.Arg40fs)

Gene: AKAP9 (A-kinase anchoring protein 9; plus strand). Cytogenetic location: 7q21.2.
Variant type: Duplication.
Coding change: c.116dup on transcript NM_005751.5 (MANE Select); coding-DNA position 116, one base duplicated (A; older notation c.116dupA).
Protein change: p.Arg40fs; shifts the reading frame from arginine 40.
Molecular consequence: frameshift variant.
Genome position (GRCh38, 1-based): chr7:91,973,778, A duplicated; the last of 8 consecutive A bases (chr7:91,973,771-91,973,778); duplicating any one gives the same sequence. VCF-style (leftmost placement, unchanged base first): chr7-91973770-G-GA. GRCh37 (hg19) VCF-style: chr7-91603084-G-GA.
Other names: c.116dup, p.Arg40fs (NM_147185.3); c.116dupA (NM_005751.4); short protein forms R40fs.
Identifiers: ClinVar variation 3225011 (VCV003225011.1), dbSNP rs765201611, ClinGen allele CA4335733.

ClinVar aggregate classification (germline): Uncertain significance (1 of 4 stars; one submission).

Conditions:
Cardiovascular phenotype. Identifiers: MedGen CN230736.

Submission:

Ambry Genetics
Classification: Uncertain significance for Cardiovascular phenotype. Last evaluated: 2024-01-25. Review status: criteria provided, single submitter. Criteria: Ambry Variant Classification Scheme 2023. Collection method: clinical testing. Allele origin: germline.
Comment: The c.116dupA variant, located in coding exon 2 of the AKAP9 gene, results from a duplication of A at nucleotide position 116, causing a translational frameshift with a predicted alternate stop codon (p.R40Efs*7). This alteration is expected to result in protein truncation or nonsense-mediated mRNA decay. However, loss of function of AKAP9 has not been established as a mechanism of disease. The evidence for this gene-disease relationship is limited; therefore, the clinical significance of this alteration is unclear.